The following is an entry in ClinVar:

ClinVar aggregate classification (germline): Uncertain significance (1 of 4 stars; one submission).

Conditions:
Hereditary cancer-predisposing syndrome. Also called: Tumor predisposition; Neoplastic Syndromes, Hereditary; Hereditary Cancer Syndrome; Hereditary neoplastic syndrome. Identifiers: Orphanet 140162, MedGen C0027672, MeSH D009386, MONDO:0015356.

Submission:

Ambry Genetics
Classification: Uncertain significance for Hereditary cancer-predisposing syndrome. Last evaluated: 2024-08-21. Review status: criteria provided, single submitter. Criteria: Ambry Variant Classification Scheme 2023. Collection method: clinical testing. Allele origin: germline.
Comment: The p.V3283A variant (also known as c.9848T>C), located in coding exon 26 of the BRCA2 gene, results from a T to C substitution at nucleotide position 9848. The valine at codon 3283 is replaced by alanine, an amino acid with similar properties. This amino acid position is well conserved in available vertebrate species. In addition, this alteration is predicted to be tolerated by in silico analysis. Based on the available evidence, the clinical significance of this variant remains unclear.

NM_000059.4(BRCA2):c.9848T>C (p.Val3283Ala)

Gene: BRCA2 (BRCA2 DNA repair associated; plus strand). Cytogenetic location: 13q13.1.
Variant type: single nucleotide variant.
Coding change: c.9848T>C on transcript NM_000059.4 (MANE Select); coding-DNA position 9848, T replaced by C.
Protein change: p.Val3283Ala; replaces valine 3283 with alanine.
Molecular consequence: missense variant. On other transcripts: non-coding transcript variant (1).
Genome position (GRCh38, 1-based): chr13:32,398,361, T>C. VCF-style: chr13-32398361-T-C. GRCh37 (hg19) VCF-style: chr13-32972498-T-C.
Other names: c.9752T>C, p.Val3251Ala (NM_001406719.1); c.9797T>C, p.Val3266Ala (NM_001406720.1); c.4916T>C, p.Val1639Ala (NM_001406721.1); c.3431T>C, p.Val1144Ala (NM_001406722.1); c.9848T>C, p.Val3283Ala (NM_001432077.1); short protein forms V1144A, V1639A, V3266A, V3251A, V3283A.
Identifiers: ClinVar variation 3482053 (VCV003482053.1).
Genomic context (GRCh38, chr13:32,398,361, plus strand): 5'-AGAACTGCAAAAAGAGAAGAGCCTTGGATTTCTTGAGTAGACTGCCTTTACCTCCACCTG[T>C]TAGTCCCATTTGTACATTTGTTTCTCCGGCTGCACAGAAGGCATTTCAGCCACCAAGGAG-3'
Protein context (NP_000050.3, residues 3273-3293): FLSRLPLPPP[Val3283Ala]SPICTFVSPA